The following is an entry in ClinVar:

NM_001378778.1(MPDZ):c.2593A>G (p.Ser865Gly)

Gene: MPDZ (multiple PDZ domain crumbs cell polarity complex component; minus strand). Cytogenetic location: 9p23.
Variant type: single nucleotide variant.
Coding change: c.2593A>G on transcript NM_001378778.1 (MANE Select); coding-DNA position 2593, A replaced by G.
Protein change: p.Ser865Gly; replaces serine 865 with glycine.
Molecular consequence: missense variant.
Genome position (GRCh38, 1-based): chr9:13,183,474, T>C on the plus strand (A>G on the coding strand, the complement: MPDZ is on the minus strand). VCF-style: chr9-13183474-T-C. GRCh37 (hg19) VCF-style: chr9-13183473-T-C.
Other names: c.2593A>G, p.Ser865Gly (NM_001261406.2, NM_001261407.2, NM_001330637.2 and 14 more transcripts); short protein forms S865G.
Identifiers: ClinVar variation 1374590 (VCV001374590.4), dbSNP rs746118639, ClinGen allele CA4987412.
Genomic context (GRCh38, chr9:13,183,474, plus strand): 5'-GTACCTTAGGAGGAGATGATGGAAGGGAAGAACCATAGTTCAGGCCATCACCACAAGAAC[T>C]GCCATGAAGAGATAAAATAGAGGCTTGAGTAGAGTAGATGCTGTCATTTTCAGGAGAGTA-3'
Protein context (NP_001365707.1, residues 855-875): TQASILSLHG[Ser865Gly]SCGDGLNYGS

ClinVar aggregate classification (germline): Uncertain significance (1 of 4 stars; one submission).

Allele frequency attached by ClinVar (database versions not stated): ExAC 0.00001; gnomAD exomes 0.00002 and 0.00004; gnomAD 0.00003.
gnomAD v4.1: 53 of 1,611,322 alleles (0.0033%); highest among the groups gnomAD compares: Non-Finnish European, 0.0042%; no homozygotes.

Submission:

Labcorp Genetics (formerly Invitae), Labcorp
Classification: Uncertain significance. Last evaluated: 2022-03-09. Review status: criteria provided, single submitter. Criteria: Invitae Variant Classification Sherloc (09022015). Collection method: clinical testing. Allele origin: germline.
Comment: In summary, the available evidence is currently insufficient to determine the role of this variant in disease. Therefore, it has been classified as a Variant of Uncertain Significance. Algorithms developed to predict the effect of missense changes on protein structure and function output the following: SIFT: "Tolerated"; PolyPhen-2: "Benign"; Align-GVGD: "Class C0". The glycine amino acid residue is found in multiple mammalian species, which suggests that this missense change does not adversely affect protein function. This variant has not been reported in the literature in individuals affected with MPDZ-related conditions. This variant is present in population databases (rs746118639, gnomAD 0.005%). This sequence change replaces serine, which is neutral and polar, with glycine, which is neutral and non-polar, at codon 865 of the MPDZ protein (p.Ser865Gly).